The following is an entry in ClinVar:

ClinVar aggregate classification (germline): Uncertain significance (1 of 4 stars; one submission).

Conditions:
Blau syndrome (BLAUS). Also called: GRANULOMATOSIS, FAMILIAL JUVENILE SYSTEMIC; GRANULOMATOSIS, FAMILIAL, BLAU TYPE; GRANULOMATOUS INFLAMMATORY ARTHRITIS, DERMATITIS, AND UVEITIS, FAMILIAL; JABS SYNDROME; ARTHROCUTANEOUVEAL GRANULOMATOSIS. Identifiers: Orphanet 90340, MedGen C5201146, MONDO:0008523, OMIM 186580.
Regional enteritis. Also called: Enteritis, Granulomatous. Identifiers: MedGen C0678202, MeSH D003424.

Allele frequency attached by ClinVar (database versions not stated): gnomAD 0.00003 and 0.00004; TOPMed 0.00005.
gnomAD v4.1: 39 of 1,614,050 alleles (0.0024%); highest among the groups gnomAD compares: South Asian, 0.0055%; no homozygotes.

Submission:

Labcorp Genetics (formerly Invitae), Labcorp
Classification: Uncertain significance for Regional enteritis; Blau syndrome. Last evaluated: 2025-08-25. Review status: criteria provided, single submitter. Criteria: Invitae Variant Classification Sherloc (09022015). Collection method: clinical testing. Allele origin: germline.
Comment: This sequence change replaces arginine, which is basic and polar, with glutamine, which is neutral and polar, at codon 346 of the NOD2 protein (p.Arg346Gln). This variant is present in population databases (rs759520552, gnomAD 0.01%). This variant has not been reported in the literature in individuals affected with NOD2-related conditions. ClinVar contains an entry for this variant (Variation ID: 944793). Invitae Evidence Modeling of protein sequence and biophysical properties (such as structural, functional, and spatial information, amino acid conservation, physicochemical variation, residue mobility, and thermodynamic stability) indicates that this missense variant is not expected to disrupt NOD2 protein function with a negative predictive value of 95%. In summary, the available evidence is currently insufficient to determine the role of this variant in disease. Therefore, it has been classified as a Variant of Uncertain Significance.

NM_001370466.1(NOD2):c.956G>A (p.Arg319Gln)

Gene: NOD2 (nucleotide binding oligomerization domain containing 2; plus strand). Cytogenetic location: 16q12.1.
Variant type: single nucleotide variant.
Coding change: c.956G>A on transcript NM_001370466.1 (MANE Select); coding-DNA position 956, G replaced by A.
Protein change: p.Arg319Gln; replaces arginine 319 with glutamine.
Molecular consequence: missense variant. On other transcripts: non-coding transcript variant (1).
Genome position (GRCh38, 1-based): chr16:50,710,948, G>A. VCF-style: chr16-50710948-G-A. GRCh37 (hg19) VCF-style: chr16-50744859-G-A.
Other names: c.956G>A, p.Arg319Gln (NM_001293557.2); c.1037G>A, p.Arg346Gln (NM_022162.3); short protein forms R319Q, R346Q.
Identifiers: ClinVar variation 944793 (VCV000944793.3), dbSNP rs759520552, ClinGen allele CA8051448.